The following is an entry in ClinVar:

NM_001040108.2(MLH3):c.166G>A (p.Asp56Asn)

Gene: MLH3 (mutL homolog 3; minus strand). Cytogenetic location: 14q24.3.
Variant type: single nucleotide variant.
Coding change: c.166G>A on transcript NM_001040108.2 (MANE Select); coding-DNA position 166, G replaced by A.
Protein change: p.Asp56Asn; replaces aspartic acid 56 with asparagine.
Molecular consequence: missense variant.
Genome position (GRCh38, 1-based): chr14:75,049,490, C>T on the plus strand (G>A on the coding strand, the complement: MLH3 is on the minus strand). VCF-style: chr14-75049490-C-T. GRCh37 (hg19) VCF-style: chr14-75516193-C-T.
Other names: c.166G>A, p.Asp56Asn (NM_014381.3); short protein forms D56N.
Identifiers: ClinVar variation 2497068 (VCV002497068.2), dbSNP rs760255710, ClinGen allele CA7276084.

ClinVar aggregate classification (germline): Uncertain significance (1 of 4 stars; one submission).

Allele frequency attached by ClinVar (database versions not stated): ExAC 0.00001.

Submission:

Ambry Genetics
Classification: Uncertain significance. Last evaluated: 2022-11-07. Review status: criteria provided, single submitter. Criteria: Ambry Variant Classification Scheme 2023. Collection method: clinical testing. Allele origin: germline.
Comment: The p.D56N variant (also known as c.166G>A), located in coding exon 1 of the MLH3 gene, results from a G to A substitution at nucleotide position 166. The aspartic acid at codon 56 is replaced by asparagine, an amino acid with highly similar properties. This amino acid position is conserved. In addition, this alteration is predicted to be deleterious by in silico analysis. Since supporting evidence is limited at this time, the clinical significance of this alteration remains unclear.